The following is an entry in ClinVar:

ClinVar aggregate classification (germline): Uncertain significance. Review status: criteria provided, multiple submitters, no conflicts (2 of 4 stars). 3 submissions from 3 submitters: Uncertain significance (2). 1 of the submissions does not count toward it. Last evaluated 2025-07-14.

Conditions:
Neu-Laxova syndrome 2. Identifiers: Orphanet 2671, Orphanet 583602, MedGen C4015019, MONDO:0014466, OMIM 616038.

Allele frequency attached by ClinVar (database versions not stated): TOPMed below 0.00001; gnomAD below 0.00001 and 0.00001; gnomAD exomes 0.00001 and 0.00003; ExAC 0.00003.
gnomAD v4.1: 15 of 1,613,688 alleles (0.00093%); highest among the groups gnomAD compares: South Asian, 0.014%; no homozygotes.

Submissions (3):

GeneDx
Classification: Uncertain significance. Last evaluated: 2025-07-14. Review status: criteria provided, single submitter. Criteria: GeneDx Variant Classification Process June 2021. Collection method: clinical testing. Allele origin: germline. Affected: yes.
Comment: In silico analysis suggests that this missense variant does not alter protein structure/function; Has not been previously published as pathogenic or benign to our knowledge

Labcorp Genetics (formerly Invitae), Labcorp
Classification: Uncertain significance for Neu-Laxova syndrome 2. Last evaluated: 2022-10-24. Review status: criteria provided, single submitter. Criteria: Invitae Variant Classification Sherloc (09022015). Collection method: clinical testing. Allele origin: germline.
Comment: This sequence change replaces isoleucine, which is neutral and non-polar, with valine, which is neutral and non-polar, at codon 341 of the PSAT1 protein (p.Ile341Val). This variant is present in population databases (rs781513295, gnomAD 0.02%). This variant has not been reported in the literature in individuals affected with PSAT1-related conditions. ClinVar contains an entry for this variant (Variation ID: 976969). Advanced modeling of protein sequence and biophysical properties (such as structural, functional, and spatial information, amino acid conservation, physicochemical variation, residue mobility, and thermodynamic stability) performed at Invitae indicates that this missense variant is not expected to disrupt PSAT1 protein function. Experimental studies have shown that this missense change does not substantially affect PSAT1 function (PMID: 32077105). In summary, the available evidence is currently insufficient to determine the role of this variant in disease. Therefore, it has been classified as a Variant of Uncertain Significance.

Dudley Research Group, Pacific Northwest Research Institute
No classification provided. Review status: no classification provided. Collection method: research, in vivo. Allele origin: unknown, not applicable. Functional consequence: functionally_normal. Not counted in ClinVar's aggregate classification.

Literature cited by the submitters: PubMed 32077105 (cited by Labcorp Genetics (formerly Invitae), Labcorp).

NM_058179.4(PSAT1):c.1021A>G (p.Ile341Val)

Gene: PSAT1 (phosphoserine aminotransferase 1; plus strand). Cytogenetic location: 9q21.2.
Variant type: single nucleotide variant.
Coding change: c.1021A>G on transcript NM_058179.4 (MANE Select); coding-DNA position 1021, A replaced by G.
Protein change: p.Ile341Val; replaces isoleucine 341 with valine.
Molecular consequence: missense variant.
Genome position (GRCh38, 1-based): chr9:78,328,994, A>G. VCF-style: chr9-78328994-A-G. GRCh37 (hg19) VCF-style: chr9-80943910-A-G.
Other names: c.883A>G, p.Ile295Val (NM_021154.5); c.1021A>G (NM_058179.2); short protein forms I295V, I341V.
Identifiers: ClinVar variation 976969 (VCV000976969.9), dbSNP rs781513295, ClinGen allele CA5095797.